The following is an entry in ClinVar:

NM_206933.4(USH2A):c.14328T>G (p.His4776Gln)

Gene: USH2A (usherin; minus strand). Cytogenetic location: 1q41.
Variant type: single nucleotide variant.
Coding change: c.14328T>G on transcript NM_206933.4 (MANE Select); coding-DNA position 14328, T replaced by G.
Protein change: p.His4776Gln; replaces histidine 4776 with glutamine.
Molecular consequence: missense variant.
Genome position (GRCh38, 1-based): chr1:215,650,607, A>C on the plus strand (T>G on the coding strand, the complement: USH2A is on the minus strand). VCF-style: chr1-215650607-A-C. GRCh37 (hg19) VCF-style: chr1-215823949-A-C.
Other names: short protein forms H4776Q.
Identifiers: ClinVar variation 929930 (VCV000929930.6), dbSNP rs1220949681, ClinGen allele CA344834851.

ClinVar aggregate classification (germline): Uncertain significance. Review status: criteria provided, multiple submitters, no conflicts (2 of 4 stars). 4 submissions from 3 submitters: Uncertain significance (4). Last evaluated 2023-11-04.

Conditions:
Retinitis pigmentosa 39 (RP39). Identifiers: Orphanet 791, MedGen C3151138, MONDO:0013436, OMIM 613809.
Usher syndrome type 2A. Also called: RETINAL DISEASE IN USHER SYNDROME TYPE IIA, MODIFIER OF; USHER SYNDROME, TYPE IIA. Identifiers: Orphanet 231178, Orphanet 886, MedGen C1848634, MONDO:0010169, OMIM 276901.

Allele frequency attached by ClinVar (database versions not stated): TOPMed below 0.00001; gnomAD 0.00001.
gnomAD v4.1: 13 of 1,614,062 alleles (0.00081%); highest among the groups gnomAD compares: Non-Finnish European, 0.001%; no homozygotes.

Submissions (4):

Genome-Nilou Lab
Classification: Uncertain significance for Retinitis pigmentosa 39. Last evaluated: 2023-11-04. Review status: criteria provided, single submitter. Criteria: ACMG Guidelines, 2015. Collection method: clinical testing. Allele origin: germline. Affected: no.

Genome-Nilou Lab
Classification: Uncertain significance for Usher syndrome type 2A. Last evaluated: 2023-11-04. Review status: criteria provided, single submitter. Criteria: ACMG Guidelines, 2015. Collection method: clinical testing. Allele origin: germline. Affected: no.

Labcorp Genetics (formerly Invitae), Labcorp
Classification: Uncertain significance. Last evaluated: 2022-06-02. Review status: criteria provided, single submitter. Criteria: Invitae Variant Classification Sherloc (09022015). Collection method: clinical testing. Allele origin: germline.
Comment: This sequence change replaces histidine, which is basic and polar, with glutamine, which is neutral and polar, at codon 4776 of the USH2A protein (p.His4776Gln). This variant is not present in population databases (gnomAD no frequency). This variant has not been reported in the literature in individuals affected with USH2A-related conditions. ClinVar contains an entry for this variant (Variation ID: 929930). Algorithms developed to predict the effect of missense changes on protein structure and function (SIFT, PolyPhen-2, Align-GVGD) all suggest that this variant is likely to be tolerated. In summary, the available evidence is currently insufficient to determine the role of this variant in disease. Therefore, it has been classified as a Variant of Uncertain Significance.

Laboratory for Molecular Medicine, Mass General Brigham Personalized Medicine
Classification: Uncertain significance. Last evaluated: 2019-07-24. Review status: criteria provided, single submitter. Criteria: LMM Criteria. Collection method: clinical testing. Allele origin: germline. Observed: 1 variant allele.
Comment: The p.His4776Gln variant in USH2A has not been previously reported in individuals with Usher syndrome, and was absent from large population studies. Computational prediction tools and conservation analysis suggest that this variant may not impact the protein, though this information is not predictive enough to rule out pathogenicity. In summary, the clinical significance of this variant is uncertain. ACMG/AMP Criteria applied: PM2, BP4.